The following is an entry in ClinVar:

NM_001378454.1(ALMS1):c.6923C>A (p.Ser2308Tyr)

Gene: ALMS1 (ALMS1 centrosome and basal body associated protein; plus strand). Cytogenetic location: 2p13.1.
Variant type: single nucleotide variant.
Coding change: c.6923C>A on transcript NM_001378454.1 (MANE Select); coding-DNA position 6923, C replaced by A.
Protein change: p.Ser2308Tyr; replaces serine 2308 with tyrosine.
Molecular consequence: missense variant.
Genome position (GRCh38, 1-based): chr2:73,453,450, C>A. VCF-style: chr2-73453450-C-A. GRCh37 (hg19) VCF-style: chr2-73680577-C-A.
Other names: c.6926C>A, p.Ser2309Tyr (NM_015120.4); short protein forms S2309Y, S2308Y.
Identifiers: ClinVar variation 2201300 (VCV002201300.2), dbSNP rs775594311, ClinGen allele CA347290084.

ClinVar aggregate classification (germline): Uncertain significance. Review status: criteria provided, multiple submitters, no conflicts (2 of 4 stars). 2 submissions from 2 submitters: Uncertain significance (2). Last evaluated 2025-06-27.

Conditions:
Alstrom syndrome (ALMS). Identifiers: Orphanet 64, MedGen C0268425, MONDO:0008763, OMIM 203800.
Cardiovascular phenotype. Identifiers: MedGen CN230736.

Allele frequency attached by ClinVar (database versions not stated): gnomAD exomes 0.00001; TOPMed 0.00002.
gnomAD v4.1: 7 of 1,613,226 alleles (0.00043%); highest among the groups gnomAD compares: Non-Finnish European, 0.00059%; no homozygotes.

Submissions (2):

Ambry Genetics
Classification: Uncertain significance for Cardiovascular phenotype. Last evaluated: 2025-06-27. Review status: criteria provided, single submitter. Criteria: Ambry Variant Classification Scheme 2023. Collection method: clinical testing. Allele origin: germline.
Comment: The p.S2309Y variant (also known as c.6926C>A), located in coding exon 8 of the ALMS1 gene, results from a C to A substitution at nucleotide position 6926. The serine at codon 2309 is replaced by tyrosine, an amino acid with dissimilar properties. This amino acid position is poorly conserved in available vertebrate species. In addition, this alteration is predicted to be tolerated by in silico analysis. Based on the available evidence, the clinical significance of this variant remains unclear.

Labcorp Genetics (formerly Invitae), Labcorp
Classification: Uncertain significance for Alstrom syndrome. Last evaluated: 2022-08-21. Review status: criteria provided, single submitter. Criteria: Invitae Variant Classification Sherloc (09022015). Collection method: clinical testing. Allele origin: germline.
Comment: This sequence change replaces serine, which is neutral and polar, with tyrosine, which is neutral and polar, at codon 2309 of the ALMS1 protein (p.Ser2309Tyr). This variant is present in population databases (no rsID available, gnomAD 0.0009%). This variant has not been reported in the literature in individuals affected with ALMS1-related conditions. Experimental studies and prediction algorithms are not available or were not evaluated, and the functional significance of this variant is currently unknown. In summary, the available evidence is currently insufficient to determine the role of this variant in disease. Therefore, it has been classified as a Variant of Uncertain Significance.